The following is an entry in ClinVar:

NM_004260.4(RECQL4):c.2101G>A (p.Asp701Asn)

Gene: RECQL4 (RecQ like helicase 4; minus strand). Cytogenetic location: 8q24.3.
Variant type: single nucleotide variant.
Coding change: c.2101G>A on transcript NM_004260.4 (MANE Select); coding-DNA position 2101, G replaced by A.
Protein change: p.Asp701Asn; replaces aspartic acid 701 with asparagine.
Molecular consequence: missense variant.
Genome position (GRCh38, 1-based): chr8:144,513,670, C>T on the plus strand (G>A on the coding strand, the complement: RECQL4 is on the minus strand). VCF-style: chr8-144513670-C-T. GRCh37 (hg19) VCF-style: chr8-145739054-C-T.
Other names: short protein forms D701N.
Identifiers: ClinVar variation 846053 (VCV000846053.9), dbSNP rs1182814326, ClinGen allele CA372679952.
Genomic context (GRCh38, chr8:144,513,670, plus strand): 5'-GGAGGAGCGCAGCGATCCGCTCTGTGTCCTCGCGCCGGTTGCAGTAAATGATAATGGAAT[C>T]GAGGTTTTGAAAACGTTTGCCTTGCAGCAGCGTCAACAGTGCCTGATGAGGAGCGGTTGG-3'
Protein context (NP_004251.4, residues 691-711): LLQGKRFQNL[Asp701Asn]SIIIYCNRRE

ClinVar aggregate classification (germline): Uncertain significance. Review status: criteria provided, multiple submitters, no conflicts (2 of 4 stars). 3 submissions from 3 submitters: Uncertain significance (3). Last evaluated 2024-11-21.

Conditions:
Baller-Gerold syndrome (BGS). Also called: CRANIOSYNOSTOSIS WITH RADIAL DEFECTS. Identifiers: Orphanet 1225, MedGen C0265308, MONDO:0009039, OMIM 218600.
Inborn genetic diseases. Identifiers: MedGen C0950123, MeSH D030342.
Hereditary cancer-predisposing syndrome. Also called: Neoplastic Syndromes, Hereditary; Hereditary neoplastic syndrome; Tumor predisposition; Hereditary Cancer Syndrome. Identifiers: Orphanet 140162, MedGen C0027672, MeSH D009386, MONDO:0015356.

Allele frequency attached by ClinVar (database versions not stated): gnomAD exomes 0.00001; TOPMed 0.00002.
gnomAD v4.1: 19 of 1,556,848 alleles (0.0012%); highest among the groups gnomAD compares: Non-Finnish European, 0.0015%; no homozygotes.

Submissions (3):

Ambry Genetics
Classification: Uncertain significance for Inborn genetic diseases. Last evaluated: 2024-11-21. Review status: criteria provided, single submitter. Criteria: Ambry Variant Classification Scheme 2023. Collection method: clinical testing. Allele origin: germline.
Comment: The p.D701N variant (also known as c.2101G>A), located in coding exon 13 of the RECQL4 gene, results from a G to A substitution at nucleotide position 2101. The aspartic acid at codon 701 is replaced by asparagine, an amino acid with highly similar properties. This amino acid position is conserved. In addition, this alteration is predicted to be tolerated by in silico analysis. Based on the available evidence, the clinical significance of this variant remains unclear.

Labcorp Genetics (formerly Invitae), Labcorp
Classification: Uncertain significance for Baller-Gerold syndrome. Last evaluated: 2023-10-25. Review status: criteria provided, single submitter. Criteria: Invitae Variant Classification Sherloc (09022015). Collection method: clinical testing. Allele origin: germline.
Comment: This sequence change replaces aspartic acid, which is acidic and polar, with asparagine, which is neutral and polar, at codon 701 of the RECQL4 protein (p.Asp701Asn). This variant is present in population databases (no rsID available, gnomAD 0.01%). This variant has not been reported in the literature in individuals affected with RECQL4-related conditions. ClinVar contains an entry for this variant (Variation ID: 846053). Advanced modeling of protein sequence and biophysical properties (such as structural, functional, and spatial information, amino acid conservation, physicochemical variation, residue mobility, and thermodynamic stability) performed at Invitae indicates that this missense variant is not expected to disrupt RECQL4 protein function with a negative predictive value of 80%. In summary, the available evidence is currently insufficient to determine the role of this variant in disease. Therefore, it has been classified as a Variant of Uncertain Significance.

Sema4
Classification: Uncertain significance for Hereditary cancer-predisposing syndrome. Last evaluated: 2021-11-26. Review status: criteria provided, single submitter. Criteria: Sema4 Curation Guidelines. Collection method: curation. Allele origin: germline.
Comment: To the best of our knowledge, the RECQL4 c.2101G>A (p.D701N) variant has not been reported in individuals with RECQL4-related disease. It was observed in 1/8614 chromosomes of the African/African American subpopulation in the large and broad cohorts of the Genome Aggregation Database (PMID: 32461654). The variant has been reported in ClinVar (Variation ID 846053). Functional studies have not been performed, and in silico predictions of the variant's effect on protein function are inconclusive. The evidence is insufficient to meet ACMG/AMP criteria for classifying the variant as benign or pathogenic. Thus, the clinical significance of this variant is currently uncertain.